The following is an entry in ClinVar:

ClinVar aggregate classification (germline): Uncertain significance. Review status: criteria provided, multiple submitters, no conflicts (2 of 4 stars). 2 submissions from 2 submitters: Uncertain significance (2). Last evaluated 2025-08-23.

Conditions:
Inborn genetic diseases. Identifiers: MedGen C0950123, MeSH D030342.
Nephronophthisis 18 (NPHP18). Identifiers: Orphanet 655, MedGen C3890591, MONDO:0014374, OMIM 615862.

Allele frequency attached by ClinVar (database versions not stated): TOPMed below 0.00001; gnomAD exomes 0.00001 and 0.00002; ExAC 0.00002.
gnomAD v4.1: 25 of 1,413,902 alleles (0.0018%); highest among the groups gnomAD compares: Non-Finnish European, 0.002%; no homozygotes.

Submissions (2):

Ambry Genetics
Classification: Uncertain significance for Inborn genetic diseases. Last evaluated: 2025-08-23. Review status: criteria provided, single submitter. Criteria: Ambry Variant Classification Scheme 2023. Collection method: clinical testing. Allele origin: germline.

Labcorp Genetics (formerly Invitae), Labcorp
Classification: Uncertain significance for Nephronophthisis 18. Last evaluated: 2019-12-17. Review status: criteria provided, single submitter. Criteria: Invitae Variant Classification Sherloc (09022015). Collection method: clinical testing. Allele origin: germline.
Comment: In summary, the available evidence is currently insufficient to determine the role of this variant in disease. Therefore, it has been classified as a Variant of Uncertain Significance. Algorithms developed to predict the effect of missense changes on protein structure and function are either unavailable or do not agree on the potential impact of this missense change (SIFT: "Not Available"; PolyPhen-2: "Probably Damaging"; Align-GVGD: "Not Available"). This variant has not been reported in the literature in individuals with CEP83-related conditions. This variant is present in population databases (rs757820515, ExAC 0.003%). This sequence change replaces tyrosine with cysteine at codon 144 of the CEP83 protein (p.Tyr144Cys). The tyrosine residue is highly conserved and there is a large physicochemical difference between tyrosine and cysteine.

NM_016122.3(CEP83):c.431A>G (p.Tyr144Cys)

Gene: CEP83 (centrosomal protein 83; minus strand). Cytogenetic location: 12q22.
Variant type: single nucleotide variant.
Coding change: c.431A>G on transcript NM_016122.3 (MANE Select); coding-DNA position 431, A replaced by G.
Protein change: p.Tyr144Cys; replaces tyrosine 144 with cysteine.
Molecular consequence: missense variant. On other transcripts: non-coding transcript variant (3), intron variant (2).
Genome position (GRCh38, 1-based): chr12:94,400,968, T>C on the plus strand (A>G on the coding strand, the complement: CEP83 is on the minus strand). VCF-style: chr12-94400968-T-C. GRCh37 (hg19) VCF-style: chr12-94794744-T-C.
Other names: c.431A>G, p.Tyr144Cys (NM_001042399.2, NM_001346457.2, NM_001346460.2 and 3 more transcripts); c.119A>G, p.Tyr40Cys (NM_001346458.2, NM_001346459.2, NM_001346462.2 and 2 more transcripts); c.324+10729A>G (NM_001368041.1); c.12+10729A>G (NM_001368042.1); short protein forms Y40C, Y144C.
Identifiers: ClinVar variation 849121 (VCV000849121.9), dbSNP rs757820515, ClinGen allele CA6721939.